The following is an entry in ClinVar:

NM_001365951.3(KIF1B):c.3349T>A (p.Phe1117Ile)

Gene: KIF1B (kinesin family member 1B; plus strand). Cytogenetic location: 1p36.22.
Variant type: single nucleotide variant.
Coding change: c.3349T>A on transcript NM_001365951.3 (MANE Select); coding-DNA position 3349, T replaced by A.
Protein change: p.Phe1117Ile; replaces phenylalanine 1117 with isoleucine.
Molecular consequence: missense variant.
Genome position (GRCh38, 1-based): chr1:10,337,460, T>A. VCF-style: chr1-10337460-T-A. GRCh37 (hg19) VCF-style: chr1-10397518-T-A.
Other names: c.3349T>A, p.Phe1117Ile (NM_001365952.1); c.3211T>A, p.Phe1071Ile (NM_015074.3); short protein forms F1071I, F1117I.
Identifiers: ClinVar variation 3534087 (VCV003534087.1).

ClinVar aggregate classification (germline): Uncertain significance (1 of 4 stars; one submission).

Submission:

Ambry Genetics
Classification: Uncertain significance. Last evaluated: 2024-11-16. Review status: criteria provided, single submitter. Criteria: Ambry Variant Classification Scheme 2023. Collection method: clinical testing. Allele origin: germline.
Comment: The p.F1071I variant (also known as c.3211T>A), located in coding exon 28 of the KIF1B gene, results from a T to A substitution at nucleotide position 3211. The phenylalanine at codon 1071 is replaced by isoleucine, an amino acid with highly similar properties. This amino acid position is conserved. In addition, this alteration is predicted to be deleterious by in silico analysis. Based on the available evidence, the clinical significance of this variant remains unclear.